The following is an entry in ClinVar:

NM_001909.5(CTSD):c.1072-1G>A

Gene: CTSD (cathepsin D; minus strand). Cytogenetic location: 11p15.5.
Variant type: single nucleotide variant.
Coding change: c.1072-1G>A on transcript NM_001909.5 (MANE Select); the canonical splice acceptor site of the intron before coding-DNA position 1072, G replaced by A.
Molecular consequence: splice acceptor variant.
Genome position (GRCh38, 1-based): chr11:1,753,671, C>T on the plus strand (G>A on the coding strand, the complement: CTSD is on the minus strand). VCF-style: chr11-1753671-C-T. GRCh37 (hg19) VCF-style: chr11-1774901-C-T.
Identifiers: ClinVar variation 1939767 (VCV001939767.5), dbSNP rs2493816154, ClinGen allele CA379092816.

ClinVar aggregate classification (germline): Uncertain significance (1 of 4 stars; one submission).

Conditions:
Neuronal ceroid lipofuscinosis. Also called: Neuronal Ceroid Lipofuscinoses. Identifiers: Orphanet 216, Orphanet 79263, MedGen C0027877, MONDO:0016295. Disease mechanism: loss of function.

Submission:

Labcorp Genetics (formerly Invitae), Labcorp
Classification: Uncertain significance for Neuronal ceroid lipofuscinosis. Last evaluated: 2022-07-27. Review status: criteria provided, single submitter. Criteria: Invitae Variant Classification Sherloc (09022015). Collection method: clinical testing. Allele origin: germline.
Comment: Variants that disrupt the consensus splice site are a relatively common cause of aberrant splicing (PMID: 17576681, 9536098). Algorithms developed to predict the effect of sequence changes on RNA splicing suggest that this variant may disrupt the consensus splice site. This sequence change affects an acceptor splice site in intron 8 of the CTSD gene. While this variant is not anticipated to result in nonsense mediated decay, it likely alters RNA splicing and results in a disrupted protein product. This variant is not present in population databases (gnomAD no frequency). This variant has not been reported in the literature in individuals affected with CTSD-related conditions. In summary, the available evidence is currently insufficient to determine the role of this variant in disease. Therefore, it has been classified as a Variant of Uncertain Significance.

Literature cited by the submitters: PubMed 17576681; PubMed 9536098.